The following is an entry in ClinVar:

NM_024757.5(EHMT1):c.1279C>T (p.Leu427Phe)

Gene: EHMT1 (euchromatic histone lysine methyltransferase 1; plus strand). Cytogenetic location: 9q34.3.
Variant type: single nucleotide variant.
Coding change: c.1279C>T on transcript NM_024757.5 (MANE Select); coding-DNA position 1279, C replaced by T.
Protein change: p.Leu427Phe; replaces leucine 427 with phenylalanine.
Molecular consequence: missense variant.
Genome position (GRCh38, 1-based): chr9:137,754,201, C>T. VCF-style: chr9-137754201-C-T. GRCh37 (hg19) VCF-style: chr9-140648653-C-T.
Other names: c.1279C>T, p.Leu427Phe (NM_001145527.2, NM_001354611.2); c.1186C>T, p.Leu396Phe (NM_001354259.2, NM_001354612.2); c.1258C>T, p.Leu420Phe (NM_001354263.2); short protein forms L396F, L420F, L427F.
Identifiers: ClinVar variation 943152 (VCV000943152.10), dbSNP rs1949203789, ClinGen allele CA375762962.

ClinVar aggregate classification (germline): Uncertain significance (1 of 4 stars; one submission).

Conditions:
Kleefstra syndrome 1 (KLEFS1). Identifiers: Orphanet 261494, MedGen C0795833, MONDO:0027407, OMIM 610253.

Submission:

Labcorp Genetics (formerly Invitae), Labcorp
Classification: Uncertain significance for Kleefstra syndrome 1. Last evaluated: 2020-04-24. Review status: criteria provided, single submitter. Criteria: Invitae Variant Classification Sherloc (09022015). Collection method: clinical testing. Allele origin: germline.
Comment: This variant is not present in population databases (ExAC no frequency). This sequence change replaces leucine with phenylalanine at codon 427 of the EHMT1 protein (p.Leu427Phe). The leucine residue is highly conserved and there is a small physicochemical difference between leucine and phenylalanine. This variant has not been reported in the literature in individuals with EHMT1-related conditions. In summary, the available evidence is currently insufficient to determine the role of this variant in disease. Therefore, it has been classified as a Variant of Uncertain Significance. Algorithms developed to predict the effect of missense changes on protein structure and function are either unavailable or do not agree on the potential impact of this missense change (SIFT: "Tolerated"; PolyPhen-2: "Possibly Damaging"; Align-GVGD: "Class C0").